The following is an entry in ClinVar:

NM_000203.5(IDUA):c.905dup (p.Leu303fs)

Gene: IDUA (alpha-L-iduronidase; plus strand). Cytogenetic location: 4p16.3.
Variant type: Duplication.
Coding change: c.905dup on transcript NM_000203.5 (MANE Select); coding-DNA position 905, one base duplicated (C; older notation c.905dupC).
Protein change: p.Leu303fs; shifts the reading frame from leucine 303.
Molecular consequence: frameshift variant. On other transcripts: non-coding transcript variant (1).
Genome position (GRCh38, 1-based): chr4:1,002,094, C duplicated; the last of 3 consecutive C bases (chr4:1,002,092-1,002,094); duplicating any one gives the same sequence. VCF-style (leftmost placement, unchanged base first): chr4-1002091-A-AC. GRCh37 (hg19) VCF-style: chr4-995879-A-AC.
Other names: c.509dup, p.Leu171fs (NM_001363576.1); short protein forms L171fs, L303fs.
Identifiers: ClinVar variation 5011753 (VCV005011753.1).

ClinVar aggregate classification (germline): Pathogenic (1 of 4 stars; one submission).

Conditions:
Mucopolysaccharidosis type 1. Also called: IDUA deficiency; MPS I; Mucopolysaccharidosis Type I. Identifiers: Orphanet 579, MedGen C0023786, MONDO:0001586.

Submission:

Myriad Genetics, Inc.
Classification: Pathogenic for Mucopolysaccharidosis type 1. Last evaluated: 2023-09-27. Review status: criteria provided, single submitter. Criteria: Myriad Autosomal Dominant, Autosomal Recessive and X-Linked Classification Criteria (2023). Collection method: clinical testing. Allele origin: unknown.
Comment: NM_000203.3(IDUA):c.905dupC(L303Afs*96) is expected to be pathogenic in the context of mucopolysaccharidosis type I. This variant is predicted to lead to an abnormal or absent protein product due to the creation of a premature termination codon in IDUA, a gene where loss-of-function variants are known to be pathogenic. Please note: this variant was assessed in the context of healthy population screening.